The following is an entry in ClinVar:

NM_001103.4(ACTN2):c.509A>G (p.Asn170Ser)

Gene: ACTN2 (actinin alpha 2; plus strand). Cytogenetic location: 1q43.
Variant type: single nucleotide variant.
Coding change: c.509A>G on transcript NM_001103.4 (MANE Select); coding-DNA position 509, A replaced by G.
Protein change: p.Asn170Ser; replaces asparagine 170 with serine.
Molecular consequence: missense variant. On other transcripts: 5 prime UTR variant (1).
Genome position (GRCh38, 1-based): chr1:236,725,993, A>G. VCF-style: chr1-236725993-A-G. GRCh37 (hg19) VCF-style: chr1-236889293-A-G.
Other names: c.509A>G, p.Asn170Ser (NM_001278343.2); c.-313A>G (NM_001278344.2); short protein forms N170S.
Identifiers: ClinVar variation 388854 (VCV000388854.2), dbSNP rs1057523249, ClinGen allele CA16603608.

ClinVar aggregate classification (germline): Uncertain significance (1 of 4 stars; one submission).

Submission:

GeneDx
Classification: Uncertain significance. Last evaluated: 2016-08-22. Review status: criteria provided, single submitter. Criteria: GeneDx Variant Classification (06012015). Collection method: clinical testing. Allele origin: germline. Affected: yes.
Comment: A novel variant of uncertain significance has been identified in the ACTN2 gene. The N170S variant has not been published as a pathogenic variant, nor has it been reported as a benign variant to our knowledge. This variant was not observed in approximately 6,500 individuals of European and African American ancestry in the NHLBI Exome Sequencing Project, indicating it is not a common benign variant in these populations. This substitution occurs at a position that is conserved across species and in silico analysis predicts this variant is probably damaging to the protein structure/function. However, the N170S variant is a conservative amino acid substitution, which is not likely to impact secondary protein structure as these residues share similar properties. No missense variants in nearby residues have been reported in the Human Gene Mutation Database (Stenson et al., 2014). Furthermore, to our knowledge no studies have been performed to determine the functional effect of the N170S variant.Therefore, based on the currently available information, it is unclear whether this variant is pathogenic or benign.